The following is an entry in ClinVar:

ClinVar aggregate classification (germline): Uncertain significance (1 of 4 stars; one submission).

Conditions:
Hypertrophic cardiomyopathy 14. Identifiers: MedGen C2750467, MONDO:0013197, OMIM 613251.

Allele frequency attached by ClinVar (database versions not stated): gnomAD exomes below 0.00001.
gnomAD v4.1: 5 of 1,614,238 alleles (0.00031%); highest among the groups gnomAD compares: Middle Eastern, 0.016%; no homozygotes.

Submission:

Labcorp Genetics (formerly Invitae), Labcorp
Classification: Uncertain significance for Hypertrophic cardiomyopathy 14. Last evaluated: 2022-10-17. Review status: criteria provided, single submitter. Criteria: Invitae Variant Classification Sherloc (09022015). Collection method: clinical testing. Allele origin: germline.
Comment: This sequence change affects a donor splice site in intron 27 of the MYH6 gene. It is expected to disrupt RNA splicing. Variants that disrupt the donor or acceptor splice site typically lead to a loss of protein function (PMID: 16199547), however the current clinical and genetic evidence is not sufficient to establish whether loss-of-function variants in MYH6 cause disease. This variant is present in population databases (no rsID available, gnomAD 0.0009%). This variant has not been reported in the literature in individuals affected with MYH6-related conditions. ClinVar contains an entry for this variant (Variation ID: 665750). Algorithms developed to predict the effect of sequence changes on RNA splicing suggest that this variant may disrupt the consensus splice site. In summary, the available evidence is currently insufficient to determine the role of this variant in disease. Therefore, it has been classified as a Variant of Uncertain Significance.

Literature cited by the submitters: PubMed 16199547.

NM_002471.4(MYH6):c.3859+1G>T

Gene: MYH6 (myosin heavy chain 6; minus strand). Cytogenetic location: 14q11.2.
Variant type: single nucleotide variant.
Coding change: c.3859+1G>T on transcript NM_002471.4 (MANE Select); the canonical splice donor site of the intron after coding-DNA position 3859, G replaced by T.
Molecular consequence: splice donor variant.
Genome position (GRCh38, 1-based): chr14:23,389,592, C>A on the plus strand (G>T on the coding strand, the complement: MYH6 is on the minus strand). VCF-style: chr14-23389592-C-A. GRCh37 (hg19) VCF-style: chr14-23858801-C-A.
Identifiers: ClinVar variation 665750 (VCV000665750.8), dbSNP rs1481854092, ClinGen allele CA389003213.